The following is an entry in ClinVar:

NM_000718.4(CACNA1B):c.5816G>C (p.Trp1939Ser)

Gene: CACNA1B (calcium voltage-gated channel subunit alpha1 B; plus strand). Cytogenetic location: 9q34.3.
Variant type: single nucleotide variant.
Coding change: c.5816G>C on transcript NM_000718.4 (MANE Select); coding-DNA position 5816, G replaced by C.
Protein change: p.Trp1939Ser; replaces tryptophan 1939 with serine.
Molecular consequence: missense variant.
Genome position (GRCh38, 1-based): chr9:138,117,984, G>C. VCF-style: chr9-138117984-G-C. GRCh37 (hg19) VCF-style: chr9-141012436-G-C.
Other names: c.5816G>C, p.Trp1939Ser (NM_001243812.2); short protein forms W1939S.
Identifiers: ClinVar variation 2184771 (VCV002184771.2), dbSNP rs1198130383, ClinGen allele CA375819256.

ClinVar aggregate classification (germline): Uncertain significance (1 of 4 stars; one submission).

Allele frequency attached by ClinVar (database versions not stated): gnomAD exomes below 0.00001.
gnomAD v4.1: 2 of 1,597,012 alleles (0.00013%); highest among the groups gnomAD compares: Non-Finnish European, 0.00017%; no homozygotes.

Submission:

Labcorp Genetics (formerly Invitae), Labcorp
Classification: Uncertain significance. Last evaluated: 2022-06-24. Review status: criteria provided, single submitter. Criteria: Invitae Variant Classification Sherloc (09022015). Collection method: clinical testing. Allele origin: germline.
Comment: This sequence change replaces tryptophan, which is neutral and slightly polar, with serine, which is neutral and polar, at codon 1939 of the CACNA1B protein (p.Trp1939Ser). This variant is not present in population databases (gnomAD no frequency). In summary, the available evidence is currently insufficient to determine the role of this variant in disease. Therefore, it has been classified as a Variant of Uncertain Significance. Advanced modeling of protein sequence and biophysical properties (such as structural, functional, and spatial information, amino acid conservation, physicochemical variation, residue mobility, and thermodynamic stability) performed at Invitae indicates that this missense variant is not expected to disrupt CACNA1B protein function. This variant has not been reported in the literature in individuals affected with CACNA1B-related conditions.